The following is an entry in ClinVar:

NM_020975.6(RET):c.2781C>G (p.Ile927Met)

Gene: RET (ret proto-oncogene; plus strand). Cytogenetic location: 10q11.21.
Variant type: single nucleotide variant.
Coding change: c.2781C>G on transcript NM_020975.6 (MANE Select); coding-DNA position 2781, C replaced by G.
Protein change: p.Ile927Met; replaces isoleucine 927 with methionine.
Molecular consequence: missense variant.
Genome position (GRCh38, 1-based): chr10:43,121,996, C>G. VCF-style: chr10-43121996-C-G. GRCh37 (hg19) VCF-style: chr10-43617444-C-G.
Other names: c.2781C>G, p.Ile927Met (NM_000323.2, NM_001406743.1, NM_001406744.1 and 4 more transcripts); c.2019C>G, p.Ile673Met (NM_001355216.2); c.2652C>G, p.Ile884Met (NM_001406761.1, NM_001406762.1, NM_001406764.1); c.2646C>G, p.Ile882Met (NM_001406763.1, NM_001406765.1); c.2493C>G, p.Ile831Met (NM_001406766.1, NM_001406767.1, NM_001406770.1); c.2517C>G, p.Ile839Met (NM_001406768.1); c.2385C>G, p.Ile795Met (NM_001406769.1, NM_001406772.1); c.1884C>G, p.Ile628Met (NM_001406780.1, NM_001406781.1, NM_001406782.1 and 1 more transcripts); and 10 more; short protein forms I673M, I927M, I583M, I585M, I781M, I882M, I884M, I628M.
Identifiers: ClinVar variation 1337120 (VCV001337120.8), dbSNP rs1838228721, ClinGen allele CA376557604.

ClinVar aggregate classification (germline): Uncertain significance. Review status: criteria provided, multiple submitters, no conflicts (2 of 4 stars). 2 submissions from 2 submitters: Uncertain significance (2). Last evaluated 2023-02-23.

Conditions:
Multiple endocrine neoplasia, type 2 (MEN2). Identifiers: Orphanet 653, MedGen C4048306, MONDO:0019003. Disease mechanism: gain of function.

Allele frequency attached by ClinVar (database versions not stated): TOPMed below 0.00001.

Submissions (2):

Labcorp Genetics (formerly Invitae), Labcorp
Classification: Uncertain significance for Multiple endocrine neoplasia, type 2. Last evaluated: 2023-02-23. Review status: criteria provided, single submitter. Criteria: Invitae Variant Classification Sherloc (09022015). Collection method: clinical testing. Allele origin: germline.
Comment: In summary, the available evidence is currently insufficient to determine the role of this variant in disease. Therefore, it has been classified as a Variant of Uncertain Significance. An algorithm developed to predict the effect of missense changes on protein structure and function (PolyPhen-2) suggests that this variant is likely to be tolerated. ClinVar contains an entry for this variant (Variation ID: 1337120). This variant has not been reported in the literature in individuals affected with RET-related conditions. This variant is not present in population databases (gnomAD no frequency). This sequence change replaces isoleucine, which is neutral and non-polar, with methionine, which is neutral and non-polar, at codon 927 of the RET protein (p.Ile927Met).

Genetic Services Laboratory, University of Chicago
Classification: Uncertain significance. Last evaluated: 2019-04-20. Review status: criteria provided, single submitter. Criteria: ACMG Guidelines, 2015. Collection method: clinical testing. Allele origin: germline. Affected: no.